The following is an entry in ClinVar:

NM_003673.4(TCAP):c.450dup (p.Ala151fs)

Gene: TCAP (titin-cap; plus strand). Cytogenetic location: 17q12.
Variant type: Duplication.
Coding change: c.450dup on transcript NM_003673.4 (MANE Select); coding-DNA position 450, one base duplicated (T; older notation c.450dupT).
Protein change: p.Ala151fs; shifts the reading frame from alanine 151.
Molecular consequence: frameshift variant.
Genome position (GRCh38, 1-based): chr17:39,666,055, T duplicated. VCF-style (leftmost placement, unchanged base first): chr17-39666054-G-GT. GRCh37 (hg19) VCF-style: chr17-37822307-G-GT.
Other names: short protein forms A151fs.
Identifiers: ClinVar variation 1350760 (VCV001350760.6), dbSNP rs2145074763, ClinGen allele CA2573153711.
Genomic context (GRCh38, chr17:39,666,054, plus strand): 5'-GCCAGGAGGTGGCTGAGATCACAAAGCAGCTGCCCCCTGTGGTGCCTGTCAGCAAGCCCG[G>GT]TGCACTTCGTCGCTCCCTGTCCCGCTCCATGTCCCAGGAAGCACAGAGAGGCTGAGAGGG-3'

ClinVar aggregate classification (germline): Uncertain significance (1 of 4 stars; one submission).

Conditions:
Primary familial hypertrophic cardiomyopathy (HCM). Identifiers: Orphanet 99739, MedGen C0949658, MeSH D024741, MONDO:0024573. Inheritance: Various modes of inheritance.
Hypertrophic cardiomyopathy 25 (CMH25). Also called: CARDIOMYOPATHY, FAMILIAL HYPERTROPHIC, 25. Identifiers: MedGen C4225408, MONDO:0011843, OMIM 607487.

Submission:

Labcorp Genetics (formerly Invitae), Labcorp
Classification: Uncertain significance for Hypertrophic cardiomyopathy 25; Primary familial hypertrophic cardiomyopathy. Last evaluated: 2022-08-09. Review status: criteria provided, single submitter. Criteria: Invitae Variant Classification Sherloc (09022015). Collection method: clinical testing. Allele origin: germline.
Comment: In summary, the available evidence is currently insufficient to determine the role of this variant in disease. Therefore, it has been classified as a Variant of Uncertain Significance. Experimental studies and prediction algorithms are not available or were not evaluated, and the functional significance of this variant is currently unknown. ClinVar contains an entry for this variant (Variation ID: 1350760). This variant has not been reported in the literature in individuals affected with TCAP-related conditions. This variant is not present in population databases (gnomAD no frequency). This sequence change results in a frameshift in the TCAP gene (p.Ala151Cysfs*58). While this is not anticipated to result in nonsense mediated decay, it is expected to disrupt the last 17 amino acid(s) of the TCAP protein and extend the protein by 40 additional amino acid residues.